The following is an entry in ClinVar:

NM_015046.7(SETX):c.6970A>G (p.Met2324Val)

Gene: SETX (senataxin; minus strand). Cytogenetic location: 9q34.13.
Variant type: single nucleotide variant.
Coding change: c.6970A>G on transcript NM_015046.7 (MANE Select); coding-DNA position 6970, A replaced by G.
Protein change: p.Met2324Val; replaces methionine 2324 with valine.
Molecular consequence: missense variant.
Genome position (GRCh38, 1-based): chr9:132,275,386, T>C on the plus strand (A>G on the coding strand, the complement: SETX is on the minus strand). VCF-style: chr9-132275386-T-C. GRCh37 (hg19) VCF-style: chr9-135150773-T-C.
Other names: c.6970A>G, p.Met2324Val (NM_001351527.2, NM_001351528.2); short protein forms M2324V.
Identifiers: ClinVar variation 3367155 (VCV003367155.1).
Genomic context (GRCh38, chr9:132,275,386, plus strand): 5'-TGCCAATGTTTCGAAAACTAACATCCTTTCTTTTGTCTTTAATAAGCTTAATTATTTCCA[T>C]CACCAGTTTTATTTCTTGAACATTTATATATGAGCTAAACAAGATGGAAAAAGAAAACAC-3'
Protein context (NP_055861.3, residues 2314-2334): YINVQEIKLV[Met2324Val]EIIKLIKDKR

ClinVar aggregate classification (germline): Uncertain significance (1 of 4 stars; one submission).

Conditions:
Amyotrophic lateral sclerosis type 4 (ALS4). Also called: AMYOTROPHIC LATERAL SCLEROSIS 4, JUVENILE; NEURONOPATHY, DISTAL HEREDITARY MOTOR, WITH PYRAMIDAL FEATURES. Identifiers: Orphanet 357043, MedGen C1865409, MONDO:0011223, OMIM 602433.

Submission:

Neuberg Centre For Genomic Medicine, NCGM
Classification: Uncertain significance for Amyotrophic lateral sclerosis type 4. Last evaluated: 2023-05-20. Review status: criteria provided, single submitter. Criteria: ACMG Guidelines, 2015. Collection method: clinical testing. Allele origin: germline. Inheritance: Autosomal dominant inheritance. Affected: yes.
Comment: The observed missense c.6970A>G(p.Met2324Val) variant in SETX gene has not been reported previously as a pathogenic variant nor a benign variant, to our knowledge. The p.Met2324Val variant has been reported with allele frequency of 0.001% in gnomAD Exomes. This variant has not been submitted to the ClinVar database. Multiple lines of computational evidences (Polyphen - Benign, SIFT - Tolerated and MutationTaster - Polymorphism) predict no damaging effect on protein structure and function for this variant. The amino acid change p.Met2324Val in SETX is predicted as conserved by GERP++ and PhyloP across 100 vertebrates. The amino acid Met at position 2324 is changed to a Val changing protein sequence and it might alter its composition and physico-chemical properties. For these reasons, this variant has been classified as a Variant of Uncertain Significance (VUS).